The following is an entry in ClinVar:

NM_014014.5(SNRNP200):c.3208C>A (p.Leu1070Met)

Gene: SNRNP200 (small nuclear ribonucleoprotein U5 subunit 200; minus strand). Cytogenetic location: 2q11.2.
Variant type: single nucleotide variant.
Coding change: c.3208C>A on transcript NM_014014.5 (MANE Select); coding-DNA position 3208, C replaced by A.
Protein change: p.Leu1070Met; replaces leucine 1070 with methionine.
Molecular consequence: missense variant.
Genome position (GRCh38, 1-based): chr2:96,288,713, G>T on the plus strand (C>A on the coding strand, the complement: SNRNP200 is on the minus strand). VCF-style: chr2-96288713-G-T. GRCh37 (hg19) VCF-style: chr2-96954451-G-T.
Other names: short protein forms L1070M.
Identifiers: ClinVar variation 4746937 (VCV004746937.1).

ClinVar aggregate classification (germline): Uncertain significance (1 of 4 stars; one submission).

Submission:

Labcorp Genetics (formerly Invitae), Labcorp
Classification: Uncertain significance. Last evaluated: 2025-06-25. Review status: criteria provided, single submitter. Criteria: Invitae Variant Classification Sherloc (09022015). Collection method: clinical testing. Allele origin: germline.
Comment: This sequence change replaces leucine, which is neutral and non-polar, with methionine, which is neutral and non-polar, at codon 1070 of the SNRNP200 protein (p.Leu1070Met). This variant is not present in population databases (gnomAD no frequency). This variant has not been reported in the literature in individuals affected with SNRNP200-related conditions. Invitae Evidence Modeling of protein sequence and biophysical properties (such as structural, functional, and spatial information, amino acid conservation, physicochemical variation, residue mobility, and thermodynamic stability) indicates that this missense variant is not expected to disrupt SNRNP200 protein function with a negative predictive value of 95%. In summary, the available evidence is currently insufficient to determine the role of this variant in disease. Therefore, it has been classified as a Variant of Uncertain Significance.